The following is an entry in ClinVar:

NM_001009944.3(PKD1):c.1886C>G (p.Ser629Cys)

Gene: PKD1 (polycystin 1, transient receptor potential channel interacting; minus strand). Cytogenetic location: 16p13.3.
Variant type: single nucleotide variant.
Coding change: c.1886C>G on transcript NM_001009944.3 (MANE Select); coding-DNA position 1886, C replaced by G.
Protein change: p.Ser629Cys; replaces serine 629 with cysteine.
Molecular consequence: missense variant.
Genome position (GRCh38, 1-based): chr16:2,115,589, G>C on the plus strand (C>G on the coding strand, the complement: PKD1 is on the minus strand). VCF-style: chr16-2115589-G-C. GRCh37 (hg19) VCF-style: chr16-2165590-G-C.
Other names: c.1886C>G, p.Ser629Cys (NM_000296.4); short protein forms S629C.
Identifiers: ClinVar variation 426969 (VCV000426969.2), dbSNP rs569768187, ClinGen allele CA394390159.
Genomic context (GRCh38, chr16:2,115,589, plus strand): 5'-CCAGGGCACCAGCGTCCCCCTGGCATGCACGCGGGGGCCAGCTGGGTCCTGTTGTCCGGG[G>C]ACCTGCTCTCAGGCTCGCTGCCGTTCTCCGGGGTCCCTGTGAGGAGGGGAGGGTGTTGGG-3'
Protein context (NP_001009944.3, residues 619-639): PENGSEPESR[Ser629Cys]PDNRTQLAPA

ClinVar aggregate classification (germline): Uncertain significance (1 of 4 stars; one submission).

gnomAD v4.1: 5 of 1,595,266 alleles (0.00031%); highest among the groups gnomAD compares: South Asian, 0.0011%; no homozygotes.

Submission:

GeneDx
Classification: Uncertain significance. Last evaluated: 2017-03-08. Review status: criteria provided, single submitter. Criteria: GeneDx Variant Classification (06012015). Collection method: clinical testing. Allele origin: germline. Affected: yes.
Comment: The S629C variant in the PKD1 gene has been reported previously in at least one individual with autosomal dominant polycystic kidney disease (Neumann et al., 2013). This variant is not observed in large population cohorts (Lek et al., 2016; 1000 Genomes Consortium et al., 2015; Exome Variant Server). The S629C variant is a non-conservative amino acid substitution, which is likely to impact secondary protein structure as these residues differ in polarity, charge, size and/or other properties. This substitution occurs at a position that is not conserved, and in silico analysis is inconsistent in its predictions as to whether or not the variant is damaging to the protein structure/function. Based on currently available evidence, we interpret S629C as a variant of uncertain significance.